The following is an entry in ClinVar:

NM_031934.6(RAB34):c.87C>T (p.His29=)

Genes: NARR (nine-amino acid residue-repeats; minus strand), RAB34 (RAB34, member RAS oncogene family; minus strand). Cytogenetic location: 17q11.2.
Variant type: single nucleotide variant.
Coding change: c.87C>T on transcript NM_031934.6 (MANE Select); coding-DNA position 87, C replaced by T.
Protein change: p.His29=; no amino-acid change (histidine 29 retained).
Molecular consequence: synonymous variant. On other transcripts: nonsense (1), intron variant (1).
Genome position (GRCh38, 1-based): chr17:28,716,962, G>A on the plus strand (C>T on the coding strand, the complement: RAB34 is on the minus strand). VCF-style: chr17-28716962-G-A. GRCh37 (hg19) VCF-style: chr17-27043980-G-A.
Other names: c.258C>T, p.His86= (NM_001142624.2, NM_001142625.2, NM_001144943.1); c.87C>T, p.His29= (NM_001144942.2, NM_001256276.2, NM_001256277.2); c.529C>T, p.Gln177Ter (NM_001256281.3); c.147-904C>T (NM_001256278.1); short protein forms Q177*.
Identifiers: ClinVar variation 4980146 (VCV004980146.1).

ClinVar aggregate classification (germline): Likely benign (1 of 4 stars; one submission).

Conditions:
RAB34-related condition.

gnomAD v4.1: 2,420 of 1,613,680 alleles (0.15%); highest among the groups gnomAD compares: Admixed American, 0.23%; 6 homozygotes.

Submission:

PreventionGenetics, part of Exact Sciences
Classification: Likely benign for RAB34-related condition. Last evaluated: 2025-12-05. Review status: criteria provided, single submitter. Criteria: ACMG Guidelines, 2015. Collection method: clinical testing. Allele origin: germline.
Comment: This variant is classified as likely benign based on ACMG/AMP sequence variant interpretation guidelines (Richards et al. 2015 PMID: 25741868, with internal and published modifications).